The following is an entry in ClinVar:

NM_001042545.2(LTBP4):c.2924C>T (p.Thr975Met)

Gene: LTBP4 (latent transforming growth factor beta binding protein 4; plus strand). Cytogenetic location: 19q13.2.
Variant type: single nucleotide variant.
Coding change: c.2924C>T on transcript NM_001042545.2 (MANE Select); coding-DNA position 2924, C replaced by T.
Protein change: p.Thr975Met; replaces threonine 975 with methionine.
Molecular consequence: missense variant.
Genome position (GRCh38, 1-based): chr19:40,617,000, C>T. VCF-style: chr19-40617000-C-T. GRCh37 (hg19) VCF-style: chr19-41122906-C-T.
Other names: c.3125C>T, p.Thr1042Met (NM_001042544.1); c.3014C>T, p.Thr1005Met (NM_003573.2); short protein forms T1005M, T1042M, T975M.
Identifiers: ClinVar variation 3767805 (VCV003767805.2).
Genomic context (GRCh38, chr19:40,617,000, plus strand): 5'-GTGAGAACACCCCTGGCTCCTACCGCTGCACACCAGCCTGTGACCCTGGCTATCAGCCCA[C>T]GCCAGGGGGCGGATGCCAGGGTGGGTGTCCATCAGGCATCGGGTGAGATGTGGAGATGGT-3'
Protein context (NP_001036010.1, residues 965-985): TPACDPGYQP[Thr975Met]PGGGCQDVDE

ClinVar aggregate classification (germline): Uncertain significance. Review status: criteria provided, multiple submitters, no conflicts (2 of 4 stars). 2 submissions from 2 submitters: Uncertain significance (2). Last evaluated 2026-01-24.

gnomAD v4.1: 16 of 1,613,334 alleles (0.00099%); highest among the groups gnomAD compares: Middle Eastern, 0.016%; no homozygotes.

Submissions (2):

Labcorp Genetics (formerly Invitae), Labcorp
Classification: Uncertain significance. Last evaluated: 2026-01-24. Review status: criteria provided, single submitter. Criteria: Invitae Variant Classification Sherloc (09022015). Collection method: clinical testing. Allele origin: germline.
Comment: This sequence change replaces threonine, which is neutral and polar, with methionine, which is neutral and non-polar, at codon 1005 of the LTBP4 protein (p.Thr1005Met). This variant is present in population databases (rs771821666, gnomAD 0.008%). This variant has not been reported in the literature in individuals affected with LTBP4-related conditions. ClinVar contains an entry for this variant (Variation ID: 3767805). An algorithm developed to predict the effect of missense changes on protein structure and function outputs the following: PolyPhen-2: "Not Available". The methionine amino acid residue is found in multiple mammalian species, which suggests that this missense change does not adversely affect protein function. In summary, the available evidence is currently insufficient to determine the role of this variant in disease. Therefore, it has been classified as a Variant of Uncertain Significance.

GeneDx
Classification: Uncertain significance. Last evaluated: 2024-09-09. Review status: criteria provided, single submitter. Criteria: GeneDx Variant Classification Process June 2021. Collection method: clinical testing. Allele origin: germline. Affected: yes.
Comment: Not observed at significant frequency in large population cohorts (gnomAD); In silico analysis supports that this missense variant has a deleterious effect on protein structure/function; Has not been previously published as pathogenic or benign to our knowledge